The following is an entry in ClinVar:

NM_001386094.1(AGBL1):c.1616G>C (p.Cys539Ser)

Gene: AGBL1 (AGBL carboxypeptidase 1; plus strand). Cytogenetic location: 15q25.3.
Variant type: single nucleotide variant.
Coding change: c.1616G>C on transcript NM_001386094.1 (MANE Select); coding-DNA position 1616, G replaced by C.
Protein change: p.Cys539Ser; replaces cysteine 539 with serine.
Molecular consequence: missense variant.
Genome position (GRCh38, 1-based): chr15:86,264,787, G>C. VCF-style: chr15-86264787-G-C. GRCh37 (hg19) VCF-style: chr15-86808018-G-C.
Other names: c.1616G>C, p.Cys539Ser (NM_152336.4); c.1478G>C (NM_152336.2); short protein forms C539S.
Identifiers: ClinVar variation 3770680 (VCV003770680.13).

ClinVar aggregate classification (germline): Conflicting classifications of pathogenicity. Review status: criteria provided, conflicting classifications (1 of 4 stars). 2 submissions from 2 submitters: Uncertain significance (1); Likely benign (1). Last evaluated 2025-06-12.

gnomAD v4.1: 133 of 1,613,686 alleles (0.0082%); highest among the groups gnomAD compares: Middle Eastern, 0.049%; 2 homozygotes.

Submissions (2):

Ambry Genetics
Classification: Uncertain significance. Last evaluated: 2025-06-12. Review status: criteria provided, single submitter. Criteria: Ambry Variant Classification Scheme 2023. Collection method: clinical testing. Allele origin: germline.

CeGaT Center for Human Genetics Tuebingen
Classification: Likely benign. Last evaluated: 2025-01-01. Review status: criteria provided, single submitter. Criteria: CeGaT Center For Human Genetics Tuebingen Variant Classification Criteria Version 2. Collection method: clinical testing. Allele origin: germline. Affected: yes. Observed: 1 variant allele.
Comment: AGBL1: BP4, BS2